The following is an entry in ClinVar:

ClinVar aggregate classification (germline): Uncertain significance (1 of 4 stars; one submission).

Submission:

Labcorp Genetics (formerly Invitae), Labcorp
Classification: Uncertain significance. Last evaluated: 2025-02-05. Review status: criteria provided, single submitter. Criteria: Invitae Variant Classification Sherloc (09022015). Collection method: clinical testing. Allele origin: germline.
Comment: This sequence change replaces glutamine, which is neutral and polar, with proline, which is neutral and non-polar, at codon 646 of the MTOR protein (p.Gln646Pro). This variant is not present in population databases (gnomAD no frequency). This variant has not been reported in the literature in individuals affected with MTOR-related conditions. Invitae Evidence Modeling of protein sequence and biophysical properties (such as structural, functional, and spatial information, amino acid conservation, physicochemical variation, residue mobility, and thermodynamic stability) indicates that this missense variant is not expected to disrupt MTOR protein function with a negative predictive value of 95%. In summary, the available evidence is currently insufficient to determine the role of this variant in disease. Therefore, it has been classified as a Variant of Uncertain Significance.

NM_004958.4(MTOR):c.1937A>C (p.Gln646Pro)

Gene: MTOR (mechanistic target of rapamycin kinase; minus strand). Cytogenetic location: 1p36.22.
Variant type: single nucleotide variant.
Coding change: c.1937A>C on transcript NM_004958.4 (MANE Select); coding-DNA position 1937, A replaced by C.
Protein change: p.Gln646Pro; replaces glutamine 646 with proline.
Molecular consequence: missense variant.
Genome position (GRCh38, 1-based): chr1:11,238,467, T>G on the plus strand (A>C on the coding strand, the complement: MTOR is on the minus strand). VCF-style: chr1-11238467-T-G. GRCh37 (hg19) VCF-style: chr1-11298524-T-G.
Other names: c.1937A>C, p.Gln646Pro (NM_001386500.1); c.689A>C, p.Gln230Pro (NM_001386501.1); short protein forms Q230P, Q646P.
Identifiers: ClinVar variation 4799846 (VCV004799846.1).